The following is an entry in ClinVar:

ClinVar aggregate classification (germline): Likely benign. Review status: criteria provided, multiple submitters, no conflicts (2 of 4 stars). 2 submissions from 2 submitters: Likely benign (2). Last evaluated 2026-01-01.

Allele frequency attached by ClinVar (database versions not stated): gnomAD exomes below 0.00001; ExAC 0.00001; gnomAD 0.00003; TOPMed 0.00004.
gnomAD v4.1: 25 of 1,614,044 alleles (0.0015%); highest among the groups gnomAD compares: Middle Eastern, 0.033%; no homozygotes.

Submissions (2):

CeGaT Center for Human Genetics Tuebingen
Classification: Likely benign. Last evaluated: 2026-01-01. Review status: criteria provided, single submitter. Criteria: CeGaT Center For Human Genetics Tuebingen Variant Classification Criteria Version 2. Collection method: clinical testing. Allele origin: germline. Affected: yes. Observed: 1 variant allele.
Comment: MTOR: BP4, BP7

Labcorp Genetics (formerly Invitae), Labcorp
Classification: Likely benign. Last evaluated: 2025-03-19. Review status: criteria provided, single submitter. Criteria: Invitae Variant Classification Sherloc (09022015). Collection method: clinical testing. Allele origin: germline.

NM_004958.4(MTOR):c.4023C>T (p.Ile1341=)

Gene: MTOR (mechanistic target of rapamycin kinase; minus strand). Cytogenetic location: 1p36.22.
Variant type: single nucleotide variant.
Coding change: c.4023C>T on transcript NM_004958.4 (MANE Select); coding-DNA position 4023, C replaced by T.
Protein change: p.Ile1341=; no amino-acid change (isoleucine 1341 retained).
Molecular consequence: synonymous variant.
Genome position (GRCh38, 1-based): chr1:11,199,625, G>A on the plus strand (C>T on the coding strand, the complement: MTOR is on the minus strand). VCF-style: chr1-11199625-G-A. GRCh37 (hg19) VCF-style: chr1-11259682-G-A.
Other names: c.4023C>T, p.Ile1341= (NM_001386500.1); c.2775C>T, p.Ile925= (NM_001386501.1).
Identifiers: ClinVar variation 1128772 (VCV001128772.13), dbSNP rs771356229, ClinGen allele CA590069.